The following is an entry in ClinVar:

ClinVar aggregate classification (germline): Likely benign. Review status: criteria provided, multiple submitters, no conflicts (2 of 4 stars). 4 submissions from 4 submitters: Likely benign (4). Last evaluated 2025-11-09.

Conditions:
Multiple endocrine neoplasia, type 2 (MEN2). Identifiers: Orphanet 653, MedGen C4048306, MONDO:0019003. Disease mechanism: gain of function.
Hereditary cancer-predisposing syndrome. Also called: Neoplastic Syndromes, Hereditary; Tumor predisposition; Hereditary neoplastic syndrome; Hereditary Cancer Syndrome. Identifiers: Orphanet 140162, MedGen C0027672, MeSH D009386, MONDO:0015356.

Allele frequency attached by ClinVar (database versions not stated): gnomAD exomes below 0.00001 and 0.00001; TOPMed below 0.00001; ExAC 0.00001.
gnomAD v4.1: 10 of 1,613,864 alleles (0.00062%); highest among the groups gnomAD compares: Non-Finnish European, 0.00085%; no homozygotes.

Submissions (4):

Labcorp Genetics (formerly Invitae), Labcorp
Classification: Likely benign for Multiple endocrine neoplasia, type 2. Last evaluated: 2025-11-09. Review status: criteria provided, single submitter. Criteria: Invitae Variant Classification Sherloc (09022015). Collection method: clinical testing. Allele origin: germline.

Color Diagnostics, LLC DBA Color Health
Classification: Likely benign for Multiple endocrine neoplasia, type 2. Last evaluated: 2025-06-23. Review status: criteria provided, single submitter. Criteria: ACMG Guidelines, 2015. Collection method: clinical testing. Allele origin: germline.

CeGaT Center for Human Genetics Tuebingen
Classification: Likely benign. Last evaluated: 2024-04-01. Review status: criteria provided, single submitter. Criteria: CeGaT Center For Human Genetics Tuebingen Variant Classification Criteria Version 2. Collection method: clinical testing. Allele origin: germline. Affected: yes. Observed: 2 variant alleles.
Comment: RET: BP4, BP7

Ambry Genetics
Classification: Likely benign for Hereditary cancer-predisposing syndrome. Last evaluated: 2021-01-27. Review status: criteria provided, single submitter. Criteria: Ambry Variant Classification Scheme 2023. Collection method: clinical testing. Allele origin: germline.

NM_020975.6(RET):c.1215C>T (p.Pro405=)

Gene: RET (ret proto-oncogene; plus strand). Cytogenetic location: 10q11.21.
Variant type: single nucleotide variant.
Coding change: c.1215C>T on transcript NM_020975.6 (MANE Select); coding-DNA position 1215, C replaced by T.
Protein change: p.Pro405=; no amino-acid change (proline 405 retained).
Molecular consequence: synonymous variant. On other transcripts: intron variant (18).
Genome position (GRCh38, 1-based): chr10:43,109,182, C>T. VCF-style: chr10-43109182-C-T. GRCh37 (hg19) VCF-style: chr10-43604630-C-T.
Other names: c.1215C>T, p.Pro405= (NM_000323.2, NM_001406743.1, NM_001406744.1 and 6 more transcripts); c.453C>T, p.Pro151= (NM_001355216.2); c.1086C>T, p.Pro362= (NM_001406761.1, NM_001406762.1, NM_001406764.1 and 1 more transcripts); c.927C>T, p.Pro309= (NM_001406766.1, NM_001406767.1, NM_001406770.1); c.777C>T, p.Pro259= (NM_001406771.1, NM_001406773.1); c.489C>T, p.Pro163= (NM_001406775.1, NM_001406776.1, NM_001406777.1 and 1 more transcripts); c.225C>T, p.Pro75= (NM_001406784.1); c.868-2025C>T (NM_001406772.1, NM_001406769.1); and 5 more.
Identifiers: ClinVar variation 1103082 (VCV001103082.46), dbSNP rs748588678, ClinGen allele CA032149.